The following is an entry in ClinVar:

ClinVar aggregate classification (germline): Pathogenic (1 of 4 stars; one submission).

Conditions:
Neurofibromatosis, type 2 (SWNV). Also called: BILATERAL ACOUSTIC NEUROFIBROMATOSIS; SCHWANNOMATOSIS, VESTIBULAR; NF2-Related Schwannomatosis. Identifiers: Orphanet 637, MedGen C0027832, MONDO:0007039, OMIM 101000. Disease mechanism: loss of function.

Submission:

Labcorp Genetics (formerly Invitae), Labcorp
Classification: Pathogenic for Neurofibromatosis, type 2. Last evaluated: 2019-06-16. Review status: criteria provided, single submitter. Criteria: Invitae Variant Classification Sherloc (09022015). Collection method: clinical testing. Allele origin: germline.
Comment: This variant is not present in population databases (ExAC no frequency). This sequence change creates a premature translational stop signal (p.Lys20*) in the NF2 gene. It is expected to result in an absent or disrupted protein product. This variant has been observed in an individual affected with neurofibromatosis type 2 (PMID: 9817921). Loss-of-function variants in NF2 are known to be pathogenic (PMID: 9643284, 16983642). For these reasons, this variant has been classified as Pathogenic.

Literature cited by the submitters: PubMed 9817921; PubMed 9643284; PubMed 16983642.

NM_000268.4(NF2):c.58A>T (p.Lys20Ter)

Gene: NF2 (NF2, moesin-ezrin-radixin like (MERLIN) tumor suppressor; plus strand). Cytogenetic location: 22q12.2.
Variant type: single nucleotide variant.
Coding change: c.58A>T on transcript NM_000268.4 (MANE Select); coding-DNA position 58, A replaced by T.
Protein change: p.Lys20Ter; replaces lysine 20 with a stop codon.
Molecular consequence: nonsense. On other transcripts: non-coding transcript variant (1).
Genome position (GRCh38, 1-based): chr22:29,604,056, A>T. VCF-style: chr22-29604056-A-T. GRCh37 (hg19) VCF-style: chr22-30000045-A-T.
Other names: c.58A>T, p.Lys20Ter (NM_016418.5, NM_181825.3, NM_181828.3 and 5 more transcripts); short protein forms K20*.
Identifiers: ClinVar variation 938925 (VCV000938925.10), dbSNP rs2064715459, ClinGen allele CA411145998.